The following is an entry in ClinVar:

NM_005816.5(CD96):c.424G>C (p.Ala142Pro)

Gene: CD96 (CD96 molecule; plus strand). Cytogenetic location: 3q13.13.
Variant type: single nucleotide variant.
Coding change: c.424G>C on transcript NM_005816.5 (MANE Select); coding-DNA position 424, G replaced by C.
Protein change: p.Ala142Pro; replaces alanine 142 with proline.
Molecular consequence: missense variant. On other transcripts: non-coding transcript variant (1).
Genome position (GRCh38, 1-based): chr3:111,567,528, G>C. VCF-style: chr3-111567528-G-C. GRCh37 (hg19) VCF-style: chr3-111286375-G-C.
Other names: c.424G>C, p.Ala142Pro (NM_001318889.2, NM_198196.3); short protein forms A142P.
Identifiers: ClinVar variation 1538658 (VCV001538658.11), dbSNP rs2276872, ClinGen allele CA2534173.

ClinVar aggregate classification (germline): Benign. Review status: criteria provided, multiple submitters, no conflicts (2 of 4 stars). 3 submissions from 3 submitters: Benign (2). 1 of the submissions does not count toward it. Last evaluated 2026-02-02.

Conditions:
CD96-related disorder. Also called: CD96-related condition.

Allele frequency attached by ClinVar (database versions not stated): gnomAD exomes 0.01449 and 0.03781; ESP Exome Variant Server 0.02107; gnomAD 0.02919 and 0.03093; ExAC 0.03416; TOPMed 0.03820; 1000 Genomes Project 30x 0.06387; 1000 Genomes Project 0.06550.
gnomAD v4.1: 26,038 of 1,605,728 alleles (1.6%); highest among the groups gnomAD compares: East Asian, 15%; 1,218 homozygotes.

Submissions (3):

Labcorp Genetics (formerly Invitae), Labcorp
Classification: Benign. Last evaluated: 2026-02-02. Review status: criteria provided, single submitter. Criteria: Invitae Variant Classification Sherloc (09022015). Collection method: clinical testing. Allele origin: germline.

Breakthrough Genomics
Classification: Benign. Review status: criteria provided, single submitter. Criteria: ACMG Guidelines, 2015. Collection method: not provided. Allele origin: germline. Inheritance: Autosomal dominant inheritance. Affected: yes.

PreventionGenetics, part of Exact Sciences
Classification: Benign for CD96-related condition. Last evaluated: 2019-05-14. Review status: no assertion criteria provided. Collection method: clinical testing. Allele origin: germline. Not counted in ClinVar's aggregate classification.
Comment: This variant is classified as benign based on ACMG/AMP sequence variant interpretation guidelines (Richards et al. 2015 PMID: 25741868, with internal and published modifications).